The following is an entry in ClinVar:

NM_032119.4(ADGRV1):c.10772C>G (p.Ser3591Ter)

Gene: ADGRV1 (adhesion G protein-coupled receptor V1; plus strand). Cytogenetic location: 5q14.3.
Variant type: single nucleotide variant.
Coding change: c.10772C>G on transcript NM_032119.4 (MANE Select); coding-DNA position 10772, C replaced by G.
Protein change: p.Ser3591Ter; replaces serine 3591 with a stop codon.
Molecular consequence: nonsense. On other transcripts: non-coding transcript variant (1).
Genome position (GRCh38, 1-based): chr5:90,745,593, C>G. VCF-style: chr5-90745593-C-G. GRCh37 (hg19) VCF-style: chr5-90041410-C-G.
Other names: short protein forms S3591*.
Identifiers: ClinVar variation 2839294 (VCV002839294.3), dbSNP rs75732872, ClinGen allele CA360408776.

ClinVar aggregate classification (germline): Pathogenic (1 of 4 stars; one submission).

Submission:

Labcorp Genetics (formerly Invitae), Labcorp
Classification: Pathogenic. Last evaluated: 2023-05-20. Review status: criteria provided, single submitter. Criteria: Invitae Variant Classification Sherloc (09022015). Collection method: clinical testing. Allele origin: germline.
Comment: Algorithms developed to predict the effect of sequence changes on RNA splicing suggest that this variant may disrupt the consensus splice site. For these reasons, this variant has been classified as Pathogenic. This variant has not been reported in the literature in individuals affected with ADGRV1-related conditions. This variant is not present in population databases (gnomAD no frequency). This sequence change creates a premature translational stop signal (p.Ser3591*) in the ADGRV1 gene. It is expected to result in an absent or disrupted protein product. Loss-of-function variants in ADGRV1 are known to be pathogenic (PMID: 19357117, 22135276, 22147658, 26226137, 30718709, 31047384, 32467589).

Literature cited by the submitters: PubMed 19357117; PubMed 22135276; PubMed 22147658; PubMed 26226137; PubMed 30718709; PubMed 31047384; PubMed 32467589.